The following is an entry in ClinVar:

ClinVar aggregate classification (germline): Uncertain significance. Review status: criteria provided, multiple submitters, no conflicts (2 of 4 stars). 2 submissions from 2 submitters: Uncertain significance (2). Last evaluated 2026-03-07.

Conditions:
Hereditary cancer-predisposing syndrome. Also called: Hereditary neoplastic syndrome; Tumor predisposition; Neoplastic Syndromes, Hereditary; Hereditary Cancer Syndrome. Identifiers: Orphanet 140162, MedGen C0027672, MeSH D009386, MONDO:0015356.
Parathyroid carcinoma (PRTC). Also called: CDC73-Related Parathyroid Carcinoma; Parathyroid gland carcinoma. Identifiers: Orphanet 143, MedGen C0687150, MONDO:0012004, OMIM 608266, HP:0006780.

Allele frequency attached by ClinVar (database versions not stated): gnomAD exomes below 0.00001.
gnomAD v4.1: 1 of 1,599,400 alleles (0.000063%); highest among the groups gnomAD compares: Non-Finnish European, 0.000086%; no homozygotes.

Submissions (2):

Ambry Genetics
Classification: Uncertain significance for Hereditary cancer-predisposing syndrome. Last evaluated: 2026-03-07. Review status: criteria provided, single submitter. Criteria: Ambry Variant Classification Scheme 2023. Collection method: clinical testing. Allele origin: germline.
Comment: The p.I469T variant (also known as c.1406T>C), located in coding exon 15 of the CDC73 gene, results from a T to C substitution at nucleotide position 1406. The isoleucine at codon 469 is replaced by threonine, an amino acid with similar properties. This amino acid position is conserved. In addition, this alteration is predicted to be deleterious by in silico analysis. Based on the available evidence, the clinical significance of this variant remains unclear.

Labcorp Genetics (formerly Invitae), Labcorp
Classification: Uncertain significance for Parathyroid carcinoma. Last evaluated: 2021-09-04. Review status: criteria provided, single submitter. Criteria: Invitae Variant Classification Sherloc (09022015). Collection method: clinical testing. Allele origin: germline.
Comment: In summary, the available evidence is currently insufficient to determine the role of this variant in disease. Therefore, it has been classified as a Variant of Uncertain Significance. Algorithms developed to predict the effect of missense changes on protein structure and function are either unavailable or do not agree on the potential impact of this missense change (SIFT: "Deleterious"; PolyPhen-2: "Probably Damaging"; Align-GVGD: "Class C0"). This variant has not been reported in the literature in individuals affected with CDC73-related conditions. This variant is not present in population databases (ExAC no frequency). This sequence change replaces isoleucine with threonine at codon 469 of the CDC73 protein (p.Ile469Thr). The isoleucine residue is highly conserved and there is a moderate physicochemical difference between isoleucine and threonine.

NM_024529.5(CDC73):c.1406T>C (p.Ile469Thr)

Gene: CDC73 (cell division cycle 73; plus strand). Cytogenetic location: 1q31.2.
Variant type: single nucleotide variant.
Coding change: c.1406T>C on transcript NM_024529.5 (MANE Select); coding-DNA position 1406, T replaced by C.
Protein change: p.Ile469Thr; replaces isoleucine 469 with threonine.
Molecular consequence: missense variant.
Genome position (GRCh38, 1-based): chr1:193,236,345, T>C. VCF-style: chr1-193236345-T-C. GRCh37 (hg19) VCF-style: chr1-193205475-T-C.
Other names: c.1406T>C (NM_024529.4); short protein forms I469T.
Identifiers: ClinVar variation 1379505 (VCV001379505.7), dbSNP rs1677757603, ClinGen allele CA344078292.